The following is an entry in ClinVar:

NM_006516.4(SLC2A1):c.680-12C>A

Gene: SLC2A1 (solute carrier family 2 member 1; minus strand). Cytogenetic location: 1p34.2.
Variant type: single nucleotide variant.
Coding change: c.680-12C>A on transcript NM_006516.4 (MANE Select); 12 bases into the intron before coding-DNA position 680, C replaced by A.
Molecular consequence: intron variant.
Genome position (GRCh38, 1-based): chr1:42,929,792, G>T on the plus strand (C>A on the coding strand, the complement: SLC2A1 is on the minus strand). VCF-style: chr1-42929792-G-T. GRCh37 (hg19) VCF-style: chr1-43395463-G-T.
Identifiers: ClinVar variation 3376227 (VCV003376227.1).

ClinVar aggregate classification (germline): Likely pathogenic (1 of 4 stars; one submission).

Conditions:
Hereditary cryohydrocytosis with reduced stomatin. Also called: Stomatin-deficient cryohydrocytosis with neurologic defects; GLUT1 DEFICIENCY SYNDROME WITH PSEUDOHYPERKALEMIA AND HEMOLYSIS. Identifiers: Orphanet 168577, MedGen C1837206, MONDO:0012143, OMIM 608885.

Submission:

Pittsburgh Clinical Genomics Laboratory, University of Pittsburgh Medical Center
Classification: Likely pathogenic for Hereditary cryohydrocytosis with reduced stomatin. Last evaluated: 2022-05-09. Review status: criteria provided, single submitter. Criteria: ACMG Guidelines, 2015. Collection method: clinical testing. Allele origin: germline. Inheritance: Autosomal unknown. Affected: yes.
Comment: This sequence variant is a single nucleotide substitution (C>A) at the -12 position upstream of exon 6 of the SLC2A1 gene. This is a novel variant which has not been reported in clinical genetics databases or observed in the medical literature in individuals with SLC2A1-related disease, to our knowledge. This variant is absent from the gnomAD control population dataset (0/282818 alleles). This variant is predicted to create a new splice acceptor site with greater efficiency than the tural exon 6 splice acceptor site. Use of this new splicing acceptor would result in a frameshift due to an insertion of 10 nucleotides (insGTCCCCCAG) at the beginning of the exon 6 sequence. However, this prediction has not been confirmed with in vitro or in vivo splicing assays, to our knowledge. Based on the current evidence, we consider this variant to be likely pathogenic. ACMG Criteria: PM2, PP3, PS2